The following is an entry in ClinVar:

ClinVar aggregate classification (germline): Uncertain significance. Review status: criteria provided, multiple submitters, no conflicts (2 of 4 stars). 2 submissions from 2 submitters: Uncertain significance (2). Last evaluated 2025-10-30.

Conditions:
Inborn genetic diseases. Identifiers: MedGen C0950123, MeSH D030342.

Allele frequency attached by ClinVar (database versions not stated): gnomAD 0.00001; gnomAD exomes 0.00001; TOPMed 0.00001.
gnomAD v4.1: 16 of 1,614,040 alleles (0.00099%); highest among the groups gnomAD compares: South Asian, 0.0022%; no homozygotes.

Submissions (2):

Ambry Genetics
Classification: Uncertain significance for Inborn genetic diseases. Last evaluated: 2025-10-30. Review status: criteria provided, single submitter. Criteria: Ambry Variant Classification Scheme 2023. Collection method: clinical testing. Allele origin: germline.

Labcorp Genetics (formerly Invitae), Labcorp
Classification: Uncertain significance. Last evaluated: 2025-05-29. Review status: criteria provided, single submitter. Criteria: Invitae Variant Classification Sherloc (09022015). Collection method: clinical testing. Allele origin: germline.
Comment: This sequence change replaces aspartic acid, which is acidic and polar, with asparagine, which is neutral and polar, at codon 807 of the ADAMTS18 protein (p.Asp807Asn). This variant is not present in population databases (gnomAD no frequency). This variant has not been reported in the literature in individuals affected with ADAMTS18-related conditions. ClinVar contains an entry for this variant (Variation ID: 1406052). An algorithm developed to predict the effect of missense changes on protein structure and function outputs the following: PolyPhen-2: "Possibly Damaging". The asparagine amino acid residue is found in multiple mammalian species, which suggests that this missense change does not adversely affect protein function. In summary, the available evidence is currently insufficient to determine the role of this variant in disease. Therefore, it has been classified as a Variant of Uncertain Significance.

NM_199355.4(ADAMTS18):c.2419G>A (p.Asp807Asn)

Gene: ADAMTS18 (ADAM metallopeptidase with thrombospondin type 1 motif 18; minus strand). Cytogenetic location: 16q23.1.
Variant type: single nucleotide variant.
Coding change: c.2419G>A on transcript NM_199355.4 (MANE Select); coding-DNA position 2419, G replaced by A.
Protein change: p.Asp807Asn; replaces aspartic acid 807 with asparagine.
Molecular consequence: missense variant.
Genome position (GRCh38, 1-based): chr16:77,319,962, C>T on the plus strand (G>A on the coding strand, the complement: ADAMTS18 is on the minus strand). VCF-style: chr16-77319962-C-T. GRCh37 (hg19) VCF-style: chr16-77353859-C-T.
Other names: c.2419G>A (NM_199355.2); c.1903G>A, p.Asp635Asn (NM_001326358.2); short protein forms D635N, D807N.
Identifiers: ClinVar variation 1406052 (VCV001406052.9), dbSNP rs747748120, ClinGen allele CA284390292.